The following is an entry in ClinVar:

ClinVar aggregate classification (germline): Uncertain significance (1 of 4 stars; one submission).

Conditions:
RASopathy. Also called: rasopathies; Noonan spectrum disorder. Identifiers: Orphanet 536391, MedGen C5555857, MONDO:0021060.

Submission:

Labcorp Genetics (formerly Invitae), Labcorp
Classification: Uncertain significance for RASopathy. Last evaluated: 2023-08-11. Review status: criteria provided, single submitter. Criteria: Invitae Variant Classification Sherloc (09022015). Collection method: clinical testing. Allele origin: germline.
Comment: An algorithm developed to predict the effect of missense changes on protein structure and function (PolyPhen-2) suggests that this variant is likely to be tolerated. In summary, the available evidence is currently insufficient to determine the role of this variant in disease. Therefore, it has been classified as a Variant of Uncertain Significance. Variants that disrupt the consensus splice site are a relatively common cause of aberrant splicing (PMID: 17576681, 9536098). Algorithms developed to predict the effect of sequence changes on RNA splicing suggest that this variant may disrupt the consensus splice site. This variant has not been reported in the literature in individuals affected with RAF1-related conditions. This sequence change replaces methionine, which is neutral and non-polar, with isoleucine, which is neutral and non-polar, at codon 512 of the RAF1 protein (p.Met512Ile). This variant also falls at the last nucleotide of exon 14, which is part of the consensus splice site for this exon. This variant is not present in population databases (gnomAD no frequency).

Literature cited by the submitters: PubMed 17576681; PubMed 9536098.

NM_002880.4(RAF1):c.1536G>A (p.Met512Ile)

Gene: RAF1 (Raf-1 proto-oncogene, serine/threonine kinase; minus strand). Cytogenetic location: 3p25.2.
Variant type: single nucleotide variant.
Coding change: c.1536G>A on transcript NM_002880.4 (MANE Select); coding-DNA position 1536, G replaced by A.
Protein change: p.Met512Ile; replaces methionine 512 with isoleucine.
Molecular consequence: missense variant. On other transcripts: non-coding transcript variant (3).
Genome position (GRCh38, 1-based): chr3:12,585,681, C>T on the plus strand (G>A on the coding strand, the complement: RAF1 is on the minus strand). VCF-style: chr3-12585681-C-T. GRCh37 (hg19) VCF-style: chr3-12627180-C-T.
Other names: c.1596G>A, p.Met532Ile (NM_001354689.3); c.1536G>A, p.Met512Ile (NM_001354690.3); c.1293G>A, p.Met431Ile (NM_001354691.3, NM_001354692.3); c.1437G>A, p.Met479Ile (NM_001354693.3); c.1353G>A, p.Met451Ile (NM_001354694.3); c.1194G>A, p.Met398Ile (NM_001354695.3); short protein forms M398I, M512I, M532I, M431I, M479I, M451I.
Identifiers: ClinVar variation 2865596 (VCV002865596.3), dbSNP rs2125325424, ClinGen allele CA351498746.